The following is an entry in ClinVar:

ClinVar aggregate classification (germline): Likely benign (0 of 4 stars; one submission).

Conditions:
PLXNA1-related disorder. Also called: PLXNA1-related condition.

Allele frequency attached by ClinVar (database versions not stated): TOPMed below 0.00001; gnomAD 0.00001; gnomAD exomes 0.00001.
gnomAD v4.1: 14 of 1,613,480 alleles (0.00087%); highest among the groups gnomAD compares: Non-Finnish European, 0.0012%; no homozygotes.

Submission:

PreventionGenetics, part of Exact Sciences
Classification: Likely benign for PLXNA1-related condition. Last evaluated: 2023-09-08. Review status: no assertion criteria provided. Collection method: clinical testing. Allele origin: germline.
Comment: This variant is classified as likely benign based on ACMG/AMP sequence variant interpretation guidelines (Richards et al. 2015 PMID: 25741868, with internal and published modifications).

NM_032242.4(PLXNA1):c.5439G>A (p.Val1813=)

Gene: PLXNA1 (plexin A1; plus strand). Cytogenetic location: 3q21.3.
Variant type: single nucleotide variant.
Coding change: c.5439G>A on transcript NM_032242.4 (MANE Select); coding-DNA position 5439, G replaced by A.
Protein change: p.Val1813=; no amino-acid change (valine 1813 retained).
Molecular consequence: synonymous variant.
Genome position (GRCh38, 1-based): chr3:127,032,594, G>A. VCF-style: chr3-127032594-G-A. GRCh37 (hg19) VCF-style: chr3-126751437-G-A.
Identifiers: ClinVar variation 3032481 (VCV003032481.2), dbSNP rs1472328490, ClinGen allele CA435760842.
Genomic context (GRCh38, chr3:127,032,594, plus strand): 5'-GGACTCACCCTCCAACAAGCTGCTCTACGCCAAGGACATCCCCAACTACAAGAGCTGGGT[G>A]GAGAGGTAGGTGGAGGGTGCAGGGGTCGGGGGCAGGGGCCCGGGGGCAGCCTGGACTCTG-3'
Protein context (NP_115618.3, residues 1803-1823): AKDIPNYKSW[Val1813=]ERYYADIAKM